The following is an entry in ClinVar:

ClinVar aggregate classification (germline): Likely benign (1 of 4 stars; one submission).

Allele frequency attached by ClinVar (database versions not stated): 1000 Genomes Project 0.00040.

Submission:

CeGaT Center for Human Genetics Tuebingen
Classification: Likely benign. Last evaluated: 2026-07-01. Review status: criteria provided, single submitter. Criteria: CeGaT Center For Human Genetics Tuebingen Variant Classification Criteria Version 2. Collection method: clinical testing. Allele origin: germline. Affected: yes. Observed: 9 variant alleles.
Comment: PRB4: BP4, BP7

NM_002723.6(PRB4):c.384C>A (p.Gly128=)

Gene: PRB4 (proline rich protein BstNI subfamily 4; minus strand). Cytogenetic location: 12p13.2.
Variant type: single nucleotide variant.
Coding change: c.384C>A on transcript NM_002723.6 (MANE Select); coding-DNA position 384, C replaced by A.
Protein change: p.Gly128=; no amino-acid change (glycine 128 retained).
Molecular consequence: synonymous variant. On other transcripts: intron variant (1).
Genome position (GRCh38, 1-based): chr12:11,308,599, G>T on the plus strand (C>A on the coding strand, the complement: PRB4 is on the minus strand). VCF-style: chr12-11308599-G-T. GRCh37 (hg19) VCF-style: chr12-11461533-G-T.
Other names: c.334+50C>A (NM_001261399.3).
Identifiers: ClinVar variation 2642719 (VCV002642719.24), dbSNP rs143553408, ClinGen allele CA232942552.